The following is an entry in ClinVar:

ClinVar aggregate classification (germline): Conflicting classifications of pathogenicity. Review status: criteria provided, conflicting classifications (1 of 4 stars). 2 submissions from 2 submitters: Uncertain significance (1); Likely benign (1). Last evaluated 2018-01-13.

Conditions:
Megaloblastic anemia, thiamine-responsive, with diabetes mellitus and sensorineural deafness (TRMA). Also called: THIAMINE METABOLISM DYSFUNCTION SYNDROME 1 (MEGALOBLASTIC ANEMIA, DIABETES MELLITUS, AND DEAFNESS TYPE); ROGERS SYNDROME; THIAMINE-RESPONSIVE ANEMIA SYNDROME; THIAMINE-RESPONSIVE MYELODYSPLASIA; Thiamine-Responsive Megaloblastic Anemia Syndrome. Identifiers: Orphanet 49827, MedGen C0342287, MONDO:0009575, OMIM 249270.

Allele frequency attached by ClinVar (database versions not stated): gnomAD 0.00003; gnomAD exomes 0.00006 and 0.00008; TOPMed 0.00011; ExAC 0.00022.
gnomAD v4.1: 92 of 1,526,898 alleles (0.006%); highest among the groups gnomAD compares: Middle Eastern, 0.18%; no homozygotes.

Submissions (2):

Illumina Laboratory Services, Illumina
Classification: Uncertain significance for Megaloblastic anemia, thiamine-responsive, with diabetes mellitus and sensorineural deafness. Last evaluated: 2018-01-13. Review status: criteria provided, single submitter. Criteria: ICSL Variant Classification Criteria 13 December 2019. Collection method: clinical testing. Allele origin: germline.

GeneDx
Classification: Likely benign. Last evaluated: 2016-12-09. Review status: criteria provided, single submitter. Criteria: GeneDx Variant Classification (06012015). Collection method: clinical testing. Allele origin: germline. Affected: yes.
Comment: This variant is considered likely benign or benign based on one or more of the following criteria: it is a conservative change, it occurs at a poorly conserved position in the protein, it is predicted to be benign by multiple in silico algorithms, and/or has population frequency not consistent with disease.

NM_006996.3(SLC19A2):c.-12C>G

Gene: SLC19A2 (solute carrier family 19 member 2; minus strand). Cytogenetic location: 1q24.2.
Variant type: single nucleotide variant.
Coding change: c.-12C>G on transcript NM_006996.3 (MANE Select); 12 bases upstream of the start codon, C replaced by G.
Molecular consequence: 5 prime UTR variant.
Genome position (GRCh38, 1-based): chr1:169,485,778, G>C on the plus strand (C>G on the coding strand, the complement: SLC19A2 is on the minus strand). VCF-style: chr1-169485778-G-C. GRCh37 (hg19) VCF-style: chr1-169455016-G-C.
Other names: c.-12C>G (NM_001319667.1).
Identifiers: ClinVar variation 293536 (VCV000293536.6), dbSNP rs772886076, ClinGen allele CA1233165.